The following is an entry in ClinVar:

NM_020822.3(KCNT1):c.651C>G (p.Ile217Met)

Gene: KCNT1 (potassium sodium-activated channel subfamily T member 1; plus strand). Cytogenetic location: 9q34.3.
Variant type: single nucleotide variant.
Coding change: c.651C>G on transcript NM_020822.3 (MANE Select); coding-DNA position 651, C replaced by G.
Protein change: p.Ile217Met; replaces isoleucine 217 with methionine.
Molecular consequence: missense variant.
Genome position (GRCh38, 1-based): chr9:135,757,206, C>G. VCF-style: chr9-135757206-C-G. GRCh37 (hg19) VCF-style: chr9-138649052-C-G.
Other names: c.507C>G, p.Ile169Met (NM_001272003.2); short protein forms I169M, I217M.
Identifiers: ClinVar variation 1490270 (VCV001490270.6), dbSNP rs1217512521, ClinGen allele CA375497313.
Genomic context (GRCh38, chr9:135,757,206, plus strand): 5'-TTGGCCCCAGGGCAACATCTGGGAGCAGATCTTCCGCGTGTCCTTCGTCCTGGAGATGAT[C>G]AACACTCTGCCCTTCATCATCACGGTGGGTGAGCCCCAGCTGCCAGGAGTGCGGGCCCTG-3'
Protein context (NP_065873.2, residues 207-227): IFRVSFVLEM[Ile217Met]NTLPFIITIF

ClinVar aggregate classification (germline): Uncertain significance (1 of 4 stars; one submission).

Conditions:
Autosomal dominant nocturnal frontal lobe epilepsy 5. Also called: KCNT1-Related Epilepsy; Epilepsy, nocturnal frontal lobe, 5; CILIARY DYSKINESIA, PRIMARY, 28, WITHOUT SITUS INVERSUS; CILIARY DYSKINESIA, PRIMARY, 28, WITH SITUS INVERSUS. Identifiers: Orphanet 98784, MedGen C3554306, MONDO:0014002, OMIM 615005.
Developmental and epileptic encephalopathy, 14 (DEE14). Also called: Early infantile epileptic encephalopathy 14. Identifiers: Orphanet 293181, MedGen C3554195, MONDO:0013989, OMIM 614959.

Allele frequency attached by ClinVar (database versions not stated): gnomAD exomes below 0.00001.
gnomAD v4.1: 2 of 1,610,832 alleles (0.00012%); highest among the groups gnomAD compares: South Asian, 0.0022%; no homozygotes.

Submission:

Labcorp Genetics (formerly Invitae), Labcorp
Classification: Uncertain significance for Autosomal dominant nocturnal frontal lobe epilepsy 5; Developmental and epileptic encephalopathy, 14. Last evaluated: 2025-12-26. Review status: criteria provided, single submitter. Criteria: Invitae Variant Classification Sherloc (09022015). Collection method: clinical testing. Allele origin: germline.
Comment: This sequence change replaces isoleucine, which is neutral and non-polar, with methionine, which is neutral and non-polar, at codon 217 of the KCNT1 protein (p.Ile217Met). This variant is present in population databases (no rsID available, gnomAD 0.003%). This variant has not been reported in the literature in individuals affected with KCNT1-related conditions. ClinVar contains an entry for this variant (Variation ID: 1490270). Invitae Evidence Modeling of protein sequence and biophysical properties (such as structural, functional, and spatial information, amino acid conservation, physicochemical variation, residue mobility, and thermodynamic stability) indicates that this missense variant is not expected to disrupt KCNT1 protein function with a negative predictive value of 80%. In summary, the available evidence is currently insufficient to determine the role of this variant in disease. Therefore, it has been classified as a Variant of Uncertain Significance.